The following is an entry in ClinVar:

NM_005050.4(ABCD4):c.141G>C (p.Leu47Phe)

Gene: ABCD4 (ATP binding cassette subfamily D member 4; minus strand). Cytogenetic location: 14q24.3.
Variant type: single nucleotide variant.
Coding change: c.141G>C on transcript NM_005050.4 (MANE Select); coding-DNA position 141, G replaced by C.
Protein change: p.Leu47Phe; replaces leucine 47 with phenylalanine.
Molecular consequence: missense variant. On other transcripts: 5 prime UTR variant (15), non-coding transcript variant (8), intron variant (4).
Genome position (GRCh38, 1-based): chr14:74,300,166, C>G on the plus strand (G>C on the coding strand, the complement: ABCD4 is on the minus strand). VCF-style: chr14-74300166-C-G. GRCh37 (hg19) VCF-style: chr14-74766869-C-G.
Other names: c.141G>C, p.Leu47Phe (NM_001353591.2, NM_001353592.2, NM_020325.3); c.-269G>C (NM_001353595.2); c.-141G>C (NM_001353596.2, NM_001353597.2); c.-197G>C (NM_001353599.2, NM_020324.3); c.-209G>C (NM_001353600.2); c.-69G>C (NM_001353601.2); c.-549G>C (NM_001353602.2); c.-426G>C (NM_001353603.2, NM_001353606.2); and 6 more; short protein forms L47F.
Identifiers: ClinVar variation 372930 (VCV000372930.17), dbSNP rs147446660, ClinGen allele CA7267331.

ClinVar aggregate classification (germline): Conflicting classifications of pathogenicity. Review status: criteria provided, conflicting classifications (1 of 4 stars). 6 submissions from 6 submitters: Uncertain significance (2); Likely benign (4). Last evaluated 2026-05-01.

Conditions:
Inborn genetic diseases. Identifiers: MedGen C0950123, MeSH D030342.
Methylmalonic acidemia with homocystinuria, type cblJ (MAHCJ). Also called: METHYLMALONIC ACIDURIA AND HOMOCYSTINURIA, cblJ TYPE. Identifiers: Orphanet 369955, MedGen C3553915, MONDO:0013925, OMIM 614857.

Allele frequency attached by ClinVar (database versions not stated): gnomAD 0.00038 and 0.00049; TOPMed 0.00038; ESP Exome Variant Server 0.00054; ExAC 0.00062; 1000 Genomes Project 30x 0.00094; 1000 Genomes Project 0.00100.
gnomAD v4.1: 762 of 1,610,482 alleles (0.047%); highest among the groups gnomAD compares: Middle Eastern, 0.82%; 3 homozygotes.

Submissions (6):

CeGaT Center for Human Genetics Tuebingen
Classification: Likely benign. Last evaluated: 2026-05-01. Review status: criteria provided, single submitter. Criteria: CeGaT Center For Human Genetics Tuebingen Variant Classification Criteria Version 2. Collection method: clinical testing. Allele origin: germline. Affected: yes. Observed: 2 variant alleles.
Comment: ABCD4: BS1

Labcorp Genetics (formerly Invitae), Labcorp
Classification: Likely benign for Methylmalonic acidemia with homocystinuria, type cblJ. Last evaluated: 2026-01-28. Review status: criteria provided, single submitter. Criteria: Invitae Variant Classification Sherloc (09022015). Collection method: clinical testing. Allele origin: germline.

Blueprint Genetics
Classification: Uncertain significance. Last evaluated: 2024-10-25. Review status: criteria provided, single submitter. Criteria: ACMG Guidelines, 2015. Collection method: clinical testing. Allele origin: germline.

Ambry Genetics
Classification: Likely benign for Inborn genetic diseases. Last evaluated: 2021-10-29. Review status: criteria provided, single submitter. Criteria: Ambry Variant Classification Scheme 2023. Collection method: clinical testing. Allele origin: germline.

Genomic Research Center, Shahid Beheshti University of Medical Sciences
Classification: Likely benign for Methylmalonic acidemia with homocystinuria, type cblJ. Last evaluated: 2020-05-03. Review status: criteria provided, single submitter. Criteria: ACMG Guidelines, 2015. Collection method: clinical testing. Allele origin: unknown. Affected: yes.

GeneDx
Classification: Uncertain significance. Last evaluated: 2016-11-30. Review status: criteria provided, single submitter. Criteria: GeneDx Variant Classification (06012015). Collection method: clinical testing. Allele origin: germline. Affected: yes.
Comment: The L47F variant in the ABCD4 gene has not been reported previously as a pathogenic variant, nor as a benign variant, to our knowledge. The L47F variant was not observed with any significant frequency in approximately 6500 individuals of European and African American ancestry in the NHLBI Exome Sequencing Project. The L47F variant is a conservative amino acid substitution, which is not likely to impact secondary protein structure as these residues share similar properties. However, this substitution occurs at a position that is conserved across species, and in silico analysis predicts this variant is probably damaging to the protein structure/function. Therefore, we interpret L47F as a variant of uncertain significance.